The following is an entry in ClinVar:

ClinVar aggregate classification (germline): Pathogenic. Review status: criteria provided, multiple submitters, no conflicts (2 of 4 stars). 3 submissions from 3 submitters: Pathogenic (3). Last evaluated 2025-07-29.

Conditions:
Multiple congenital anomalies/dysmorphic syndrome-intellectual disability. Identifiers: Orphanet 102283, MedGen C5680372, MONDO:0015159.
Treacher Collins syndrome 1 (TCS1). Also called: TCOF1-Related Treacher Collins Syndrome. Identifiers: Orphanet 861, MedGen CN315775, MONDO:0007944, OMIM 154500.

Submissions (3):

GeneDx
Classification: Pathogenic. Last evaluated: 2025-07-29. Review status: criteria provided, single submitter. Criteria: GeneDx Variant Classification Process June 2021. Collection method: clinical testing. Allele origin: germline. Affected: yes.
Comment: Identified in patients with Treacher Collins syndrome in published literature, described as c.1872_1875delTGAG using alternate nomenclature in some cases, however, detailed clinical information is not available (PMID: 22317976, 20003452, 12114482, 24994558); Frameshift variant predicted to result in protein truncation or nonsense mediated decay in a gene for which loss-of-function is a known mechanism of disease; Not observed at significant frequency in large population cohorts (gnomAD); This variant is associated with the following publications: (PMID: 12114482, 20003452, 24994558, 22317976)

AURAGEN, Plan France Médecine Génomique
Classification: Pathogenic for Multiple congenital anomalies/dysmorphic syndrome-intellectual disability. Last evaluated: 2021-11-23. Review status: criteria provided, single submitter. Criteria: PFMG2025 (Lancet Reg Health Eur. 2025). Collection method: clinical testing. Allele origin: germline. Affected: yes.

Labcorp Genetics (formerly Invitae), Labcorp
Classification: Pathogenic for Treacher Collins syndrome 1. Last evaluated: 2020-03-23. Review status: criteria provided, single submitter. Criteria: Invitae Variant Classification Sherloc (09022015). Collection method: clinical testing. Allele origin: germline.
Comment: For these reasons, this variant has been classified as Pathogenic. Loss-of-function variants in TCOF1 are known to be pathogenic (PMID: 8894686, 22317976). This variant has been observed in individual(s) with Treacher Collins syndrome (PMID: 12114482, 20003452, 22317976, 24994558). In at least one individual the variant was observed to be de novo. This variant is also known as c.1872_1875delTGAG in the literature. This variant is not present in population databases (ExAC no frequency). This sequence change creates a premature translational stop signal (p.Ser701Argfs*9) in the TCOF1 gene. It is expected to result in an absent or disrupted protein product.

Literature cited by the submitters: PubMed 8894686 (cited by Labcorp Genetics (formerly Invitae), Labcorp); PubMed 22317976 (cited by Labcorp Genetics (formerly Invitae), Labcorp); PubMed 12114482 (cited by Labcorp Genetics (formerly Invitae), Labcorp); PubMed 20003452 (cited by Labcorp Genetics (formerly Invitae), Labcorp); PubMed 24994558 (cited by Labcorp Genetics (formerly Invitae), Labcorp).

NM_001371623.1(TCOF1):c.2103_2106del (p.Ser701fs)

Gene: TCOF1 (treacle ribosome biogenesis factor 1; plus strand). Cytogenetic location: 5q32.
Variant type: Deletion.
Coding change: c.2103_2106del on transcript NM_001371623.1 (MANE Select); coding-DNA positions 2103 to 2106, 4 bases deleted (TGAG; older notation c.2103_2106delTGAG).
Protein change: p.Ser701fs; shifts the reading frame from serine 701.
Molecular consequence: frameshift variant.
Genome position (GRCh38, 1-based): chr5:150,376,291-150,376,294, TGAG deleted; deleting any 4 consecutive bases within chr5:150,376,289-150,376,294 gives the same sequence; the c. name uses the placement nearest the transcript's 3' end. VCF-style (leftmost placement, unchanged base first): chr5-150376288-TAGTG-T. GRCh37 (hg19) VCF-style: chr5-149755851-TAGTG-T.
Other names: c.1872_1875del, p.Ser624fs (NM_000356.4, NM_001135245.2); c.2103_2106del, p.Ser701fs (NM_001008657.3, NM_001135243.2, NM_001135244.2 and 1 more transcripts); short protein forms S624fs, S701fs.
Identifiers: ClinVar variation 1070758 (VCV001070758.13), dbSNP rs2150736647, ClinGen allele CA2499217746.
Genomic context (GRCh38, chr5:150,376,288, plus strand): 5'-AGCTGTGGCTGGGGGCACCCAGAGACCAGCAGAGGATTCTTCAAGCAGTGAGGAATCAGA[TAGTG>T]AGGAAGAGAAGACAGGTCTTGCAGTAACCGTGGGACAGGTGAGGCCTGTGTTTTCTGGGC-3'